The following is an entry in ClinVar:

NM_000787.4(DBH):c.532C>T (p.Arg178Trp)

Gene: DBH (dopamine beta-hydroxylase; plus strand). Cytogenetic location: 9q34.2.
Variant type: single nucleotide variant.
Coding change: c.532C>T on transcript NM_000787.4 (MANE Select); coding-DNA position 532, C replaced by T.
Protein change: p.Arg178Trp; replaces arginine 178 with tryptophan.
Molecular consequence: missense variant.
Genome position (GRCh38, 1-based): chr9:133,642,252, C>T. VCF-style: chr9-133642252-C-T. GRCh37 (hg19) VCF-style: chr9-136507374-C-T.
Other names: short protein forms R178W.
Identifiers: ClinVar variation 2075143 (VCV002075143.4), dbSNP rs771747983, ClinGen allele CA5313108.

ClinVar aggregate classification (germline): Uncertain significance (1 of 4 stars; one submission).

Conditions:
Orthostatic hypotension 1 (ORTHYP1). Also called: Orthostatic hypotension 1, due to DBH deficiency; Dopamine beta-hydroxylase deficiency; NORADRENALINE DEFICIENCY; NOREPINEPHRINE DEFICIENCY. Identifiers: Orphanet 230, MedGen C4746777, MONDO:0009123, OMIM 223360.

gnomAD v4.1: 37 of 1,613,850 alleles (0.0023%); highest among the groups gnomAD compares: East Asian, 0.013%; no homozygotes.

Submission:

Labcorp Genetics (formerly Invitae), Labcorp
Classification: Uncertain significance for Orthostatic hypotension 1. Last evaluated: 2025-01-28. Review status: criteria provided, single submitter. Criteria: Invitae Variant Classification Sherloc (09022015). Collection method: clinical testing. Allele origin: germline.
Comment: This sequence change replaces arginine, which is basic and polar, with tryptophan, which is neutral and slightly polar, at codon 178 of the DBH protein (p.Arg178Trp). This variant is present in population databases (rs771747983, gnomAD 0.02%). This variant has not been reported in the literature in individuals affected with DBH-related conditions. ClinVar contains an entry for this variant (Variation ID: 2075143). Invitae Evidence Modeling of protein sequence and biophysical properties (such as structural, functional, and spatial information, amino acid conservation, physicochemical variation, residue mobility, and thermodynamic stability) indicates that this missense variant is not expected to disrupt DBH protein function with a negative predictive value of 80%. In summary, the available evidence is currently insufficient to determine the role of this variant in disease. Therefore, it has been classified as a Variant of Uncertain Significance.